The following is an entry in ClinVar:

NM_001023.4(RPS20):c.4-19_4-17delinsCTT

Gene: RPS20 (ribosomal protein S20; minus strand). Cytogenetic location: 8q12.1.
Variant type: Indel.
Coding change: c.4-19_4-17delinsCTT on transcript NM_001023.4 (MANE Select); 19 bases into the intron before coding-DNA position 4 through 17 bases into the intron before coding-DNA position 4, TTC replaced by CTT.
Molecular consequence: intron variant.
Genome position (GRCh38, 1-based): chr8:56,074,176-56,074,178, GAA replaced by AAG on the plus strand (TTC replaced by CTT on the coding strand, the reverse complement: RPS20 is on the minus strand). VCF-style: chr8-56074176-GAA-AAG. GRCh37 (hg19) VCF-style: chr8-56986735-GAA-AAG.
Other names: c.4-19_4-17delinsCTT (NM_001146227.3).
Identifiers: ClinVar variation 5042452 (VCV005042452.1).
Genomic context (GRCh38, chr8:56,074,176, plus strand): 5'-GCCACCTCCGGCTCCACGGGTGTTTTTCCGGTATCCTTAAAAGCCTATTATTAGATACAT[GAA>AAG]AAAGAACAATAAGCCAAAAATGGTCTGCCACTTCTGGAGAAAGGCAGCTTCCGGAAGCTT-3'

ClinVar aggregate classification (germline): Likely benign (1 of 4 stars; one submission).

Conditions:
Familial colorectal cancer type X. Identifiers: Orphanet 440437, MedGen C3896578, MONDO:0018604.

Submission:

Myriad Genetics, Inc.
Classification: Likely benign for Familial colorectal cancer type X. Last evaluated: 2026-07-31. Review status: criteria provided, single submitter. Criteria: Myriad Autosomal Dominant, Autosomal Recessive and X-Linked Classification Criteria (2023). Collection method: clinical testing. Allele origin: unknown.
Comment: This variant is considered likely benign. This variant is intronic and is not expected to impact mRNA splicing.